The following is an entry in ClinVar:

NM_006514.4(SCN10A):c.883+5G>A

Gene: SCN10A (sodium voltage-gated channel alpha subunit 10; minus strand). Cytogenetic location: 3p22.2.
Variant type: single nucleotide variant.
Coding change: c.883+5G>A on transcript NM_006514.4 (MANE Select); 5 bases into the intron after coding-DNA position 883, G replaced by A.
Molecular consequence: intron variant.
Genome position (GRCh38, 1-based): chr3:38,761,187, C>T on the plus strand (G>A on the coding strand, the complement: SCN10A is on the minus strand). VCF-style: chr3-38761187-C-T. GRCh37 (hg19) VCF-style: chr3-38802678-C-T.
Other names: c.883+5G>A (NM_001293307.2, NM_001293306.2).
Identifiers: ClinVar variation 1764818 (VCV001764818.2), dbSNP rs2470807624, ClinGen allele CA2580069837.
Genomic context (GRCh38, chr3:38,761,187, plus strand): 5'-CCTGTCCCTATATGATACCAAGGGTCCAACCAGACCTTGGTCCCTATGGAAGAGACTCCA[C>T]TCACGTTTTCTGTGAGATGAGTAGTTGGTTGTCTCATTGACAGCCATGTCATTCTTGACA-3'

ClinVar aggregate classification (germline): Uncertain significance (1 of 4 stars; one submission).

Conditions:
Cardiovascular phenotype. Identifiers: MedGen CN230736.

Submission:

Ambry Genetics
Classification: Uncertain significance for Cardiovascular phenotype. Last evaluated: 2019-12-04. Review status: criteria provided, single submitter. Criteria: Ambry Variant Classification Scheme 2023. Collection method: clinical testing. Allele origin: germline.
Comment: The c.883+5G>A intronic variant results from a G to A substitution 5 nucleotides after coding exon 6 in the SCN10A gene. This nucleotide position is highly conserved in available vertebrate species. Using the BDGP and ESEfinder splice site prediction tools, this alteration is predicted to abolish the native splice donor site; however, direct evidence is unavailable. Since supporting evidence is limited at this time, the clinical significance of this alteration remains unclear.